The following is an entry in ClinVar:

NM_000059.4(BRCA2):c.5187A>T (p.Lys1729Asn)

Gene: BRCA2 (BRCA2 DNA repair associated; plus strand). Cytogenetic location: 13q13.1.
Variant type: single nucleotide variant.
Coding change: c.5187A>T on transcript NM_000059.4 (MANE Select); coding-DNA position 5187, A replaced by T.
Protein change: p.Lys1729Asn; replaces lysine 1729 with asparagine.
Molecular consequence: missense variant. On other transcripts: non-coding transcript variant (1), intron variant (2).
Genome position (GRCh38, 1-based): chr13:32,339,542, A>T. VCF-style: chr13-32339542-A-T. GRCh37 (hg19) VCF-style: chr13-32913679-A-T.
Other names: c.5187A>T, p.Lys1729Asn (NM_001406719.1, NM_001406720.1); c.1910-5016A>T (NM_001406721.1); c.425-5016A>T (NM_001406722.1); short protein forms K1729N.
Identifiers: ClinVar variation 2815150 (VCV002815150.3), dbSNP rs2137514836, ClinGen allele CA387784568.

ClinVar aggregate classification (germline): Uncertain significance (1 of 4 stars; one submission).

Conditions:
Hereditary breast ovarian cancer syndrome. Also called: Hereditary breast and ovarian cancer; BRCA1- and BRCA2-Associated Hereditary Breast and Ovarian Cancer; Hereditary breast and ovarian cancer syndrome; Breast and ovarian cancer; Hereditary breast and ovarian cancer syndrome (HBOC); Hereditary breast and/or ovarian cancer syndrome. Identifiers: Orphanet 145, MedGen C0677776, MeSH D061325, MONDO:0003582. Disease mechanism: loss of function.

Submission:

Labcorp Genetics (formerly Invitae), Labcorp
Classification: Uncertain significance for Hereditary breast ovarian cancer syndrome. Last evaluated: 2022-11-18. Review status: criteria provided, single submitter. Criteria: Invitae Variant Classification Sherloc (09022015). Collection method: clinical testing. Allele origin: germline.
Comment: In summary, the available evidence is currently insufficient to determine the role of this variant in disease. Therefore, it has been classified as a Variant of Uncertain Significance. Advanced modeling of protein sequence and biophysical properties (such as structural, functional, and spatial information, amino acid conservation, physicochemical variation, residue mobility, and thermodynamic stability) performed at Invitae indicates that this missense variant is not expected to disrupt BRCA2 protein function. This variant has not been reported in the literature in individuals affected with BRCA2-related conditions. This variant is not present in population databases (gnomAD no frequency). This sequence change replaces lysine, which is basic and polar, with asparagine, which is neutral and polar, at codon 1729 of the BRCA2 protein (p.Lys1729Asn).